The following is an entry in ClinVar:

NM_004608.4(TBX6):c.212_213del (p.Pro71fs)

Gene: TBX6 (T-box transcription factor 6; minus strand). Cytogenetic location: 16p11.2.
Variant type: Deletion.
Coding change: c.212_213del on transcript NM_004608.4 (MANE Select); coding-DNA positions 212 to 213, 2 bases deleted (CT; older notation c.212_213delCT).
Protein change: p.Pro71fs; shifts the reading frame from proline 71.
Molecular consequence: frameshift variant.
Genome position (GRCh38, 1-based): chr16:30,090,898-30,090,899, AG deleted on the plus strand (CT on the coding strand, the reverse complement: TBX6 is on the minus strand). VCF-style (leftmost placement, unchanged base first): chr16-30090897-CAG-C. GRCh37 (hg19) VCF-style: chr16-30102218-CAG-C.
Other names: short protein forms P71fs.
Identifiers: ClinVar variation 4735063 (VCV004735063.1).
Genomic context (GRCh38, chr16:30,090,897, plus strand): 5'-TGACCCCCGGGAGGGAATGGAGGGCCTCTGGAGCTGATGGGGCCGGCTCAGTGCCCATGG[CAG>C]GGGGCAGAAGGGGCAGAGGTGGGTGCGCGGCCAGGGTGCGGGGAGCAGCCTCCATCCCGG-3'

ClinVar aggregate classification (germline): Uncertain significance (1 of 4 stars; one submission).

Submission:

Labcorp Genetics (formerly Invitae), Labcorp
Classification: Uncertain significance. Last evaluated: 2026-01-18. Review status: criteria provided, single submitter. Criteria: Invitae Variant Classification Sherloc (09022015). Collection method: clinical testing. Allele origin: germline.
Comment: This sequence change creates a premature translational stop signal (p.Pro71Argfs*5) in the TBX6 gene. It is expected to result in an absent or disrupted protein product. However, the current clinical and genetic evidence is not sufficient to establish whether loss-of-function variants in TBX6 cause disease. This variant is not present in population databases (gnomAD no frequency). This variant has not been reported in the literature in individuals affected with TBX6-related conditions. In summary, the available evidence is currently insufficient to determine the role of this variant in disease. Therefore, it has been classified as a Variant of Uncertain Significance.